The following is an entry in ClinVar:

ClinVar aggregate classification (germline): Uncertain significance (1 of 4 stars; one submission).

Allele frequency attached by ClinVar (database versions not stated): gnomAD exomes below 0.00001.

Submission:

Labcorp Genetics (formerly Invitae), Labcorp
Classification: Uncertain significance. Last evaluated: 2023-05-01. Review status: criteria provided, single submitter. Criteria: Invitae Variant Classification Sherloc (09022015). Collection method: clinical testing. Allele origin: germline.
Comment: This variant is not present in population databases (gnomAD no frequency). In summary, the available evidence is currently insufficient to determine the role of this variant in disease. Therefore, it has been classified as a Variant of Uncertain Significance. Advanced modeling of protein sequence and biophysical properties (such as structural, functional, and spatial information, amino acid conservation, physicochemical variation, residue mobility, and thermodynamic stability) performed at Invitae indicates that this missense variant is not expected to disrupt COL11A2 protein function. This variant has not been reported in the literature in individuals affected with COL11A2-related conditions. This sequence change replaces glutamine, which is neutral and polar, with arginine, which is basic and polar, at codon 651 of the COL11A2 protein (p.Gln651Arg).

NM_080680.3(COL11A2):c.1952A>G (p.Gln651Arg)

Gene: COL11A2 (collagen type XI alpha 2 chain; minus strand). Cytogenetic location: 6p21.32.
Variant type: single nucleotide variant.
Coding change: c.1952A>G on transcript NM_080680.3 (MANE Select); coding-DNA position 1952, A replaced by G.
Protein change: p.Gln651Arg; replaces glutamine 651 with arginine.
Molecular consequence: missense variant. On other transcripts: 5 prime UTR variant (1).
Genome position (GRCh38, 1-based): chr6:33,177,431, T>C on the plus strand (A>G on the coding strand, the complement: COL11A2 is on the minus strand). VCF-style: chr6-33177431-T-C. GRCh37 (hg19) VCF-style: chr6-33145208-T-C.
Other names: c.1772A>G, p.Gln591Arg (NM_001424108.1); c.1106A>G, p.Gln369Arg (NM_001424109.1); c.926A>G, p.Gln309Arg (NM_001424110.1, NM_001424111.1); c.-95A>G (NM_001424112.1); c.1631A>G, p.Gln544Arg (NM_080679.3); c.1694A>G, p.Gln565Arg (NM_080681.3); short protein forms Q309R, Q565R, Q651R, Q369R, Q544R, Q591R.
Identifiers: ClinVar variation 2861374 (VCV002861374.3), dbSNP rs1771079705, ClinGen allele CA363654403.